The following is an entry in ClinVar:

ClinVar aggregate classification (germline): Likely benign. Review status: criteria provided, single submitter (1 of 4 stars). 2 submissions from 2 submitters: Likely benign (1). 1 of the submissions does not count toward it. Last evaluated 2022-12-01.

Conditions:
TRPC5-related disorder. Also called: TRPC5-related condition.

Allele frequency attached by ClinVar (database versions not stated): gnomAD exomes 0.00033; ExAC 0.00036; TOPMed 0.00018; ESP Exome Variant Server 0.00019; gnomAD 0.00021.
gnomAD v4.1: 377 of 1,209,489 alleles (0.031%); highest among the groups gnomAD compares: Non-Finnish European, 0.039%; no homozygotes.

Submissions (2):

CeGaT Center for Human Genetics Tuebingen
Classification: Likely benign. Last evaluated: 2022-12-01. Review status: criteria provided, single submitter. Criteria: CeGaT Center For Human Genetics Tuebingen Variant Classification Criteria Version 2. Collection method: clinical testing. Allele origin: germline. Affected: yes. Observed: 1 variant allele.
Comment: TRPC5: BP4, BS2

PreventionGenetics, part of Exact Sciences
Classification: Likely benign for TRPC5-related condition. Last evaluated: 2019-10-28. Review status: no assertion criteria provided. Collection method: clinical testing. Allele origin: germline. Not counted in ClinVar's aggregate classification.
Comment: This variant is classified as likely benign based on ACMG/AMP sequence variant interpretation guidelines (Richards et al. 2015 PMID: 25741868, with internal and published modifications).

NM_012471.3(TRPC5):c.1419C>T (p.His473=)

Gene: TRPC5 (transient receptor potential cation channel subfamily C member 5; minus strand). Cytogenetic location: Xq23.
Variant type: single nucleotide variant.
Coding change: c.1419C>T on transcript NM_012471.3 (MANE Select); coding-DNA position 1419, C replaced by T.
Protein change: p.His473=; no amino-acid change (histidine 473 retained).
Molecular consequence: synonymous variant.
Genome position (GRCh38, 1-based): chrX:111,847,395, G>A on the plus strand (C>T on the coding strand, the complement: TRPC5 is on the minus strand). VCF-style: chrX-111847395-G-A. GRCh37 (hg19) VCF-style: chrX-111090623-G-A.
Identifiers: ClinVar variation 2661216 (VCV002661216.25), dbSNP rs3027720, ClinGen allele CA10494299.